The following is an entry in ClinVar:

NM_001330588.2(TPP2):c.1678+11G>C

Gene: TPP2 (tripeptidyl peptidase 2; plus strand). Cytogenetic location: 13q33.1.
Variant type: single nucleotide variant.
Coding change: c.1678+11G>C on transcript NM_001330588.2 (MANE Select); 11 bases into the intron after coding-DNA position 1678, G replaced by C.
Molecular consequence: intron variant.
Genome position (GRCh38, 1-based): chr13:102,636,403, G>C. VCF-style: chr13-102636403-G-C. GRCh37 (hg19) VCF-style: chr13-103288753-G-C.
Other names: c.1678+11G>C (NM_001367947.1, NM_003291.4).
Identifiers: ClinVar variation 930610 (VCV000930610.3), dbSNP rs1882384267, ClinGen allele CA1139663076.

ClinVar aggregate classification (germline): Uncertain significance (1 of 4 stars; one submission).

Allele frequency attached by ClinVar (database versions not stated): TOPMed below 0.00001.

Submission:

Centre for Mendelian Genomics, University Medical Centre Ljubljana
Classification: Uncertain significance. Last evaluated: 2019-11-26. Review status: criteria provided, single submitter. Criteria: ACMG Guidelines, 2015. Collection method: clinical testing. Allele origin: unknown. Affected: yes.
Comment: This variant was classified as: Uncertain significance. The available evidence on this variant's pathogenicity is insufficient or conflicting. The following ACMG criteria were applied in classifying this variant: PM2,BP4.